The following is an entry in ClinVar:

NM_006514.4(SCN10A):c.826T>A (p.Cys276Ser)

Gene: SCN10A (sodium voltage-gated channel alpha subunit 10; minus strand). Cytogenetic location: 3p22.2.
Variant type: single nucleotide variant.
Coding change: c.826T>A on transcript NM_006514.4 (MANE Select); coding-DNA position 826, T replaced by A.
Protein change: p.Cys276Ser; replaces cysteine 276 with serine.
Molecular consequence: missense variant.
Genome position (GRCh38, 1-based): chr3:38,761,249, A>T on the plus strand (T>A on the coding strand, the complement: SCN10A is on the minus strand). VCF-style: chr3-38761249-A-T. GRCh37 (hg19) VCF-style: chr3-38802740-A-T.
Other names: c.826T>A, p.Cys276Ser (NM_001293306.2, NM_001293307.2); short protein forms C276S.
Identifiers: ClinVar variation 3709010 (VCV003709010.2).

ClinVar aggregate classification (germline): Uncertain significance (1 of 4 stars; one submission).

Conditions:
Brugada syndrome. Also called: Sudden unexpected nocturnal death syndrome; Sudden unexplained nocturnal death syndrome; Sudden Unexplained Death Syndrome; Sudden Unexplained Nocturnal Death Syndrome (SUNDS). Identifiers: Orphanet 130, MedGen C1142166, MONDO:0015263.

gnomAD v4.1: 1 of 1,613,486 alleles (0.000062%); highest among the groups gnomAD compares: Non-Finnish European, 0.000085%; no homozygotes.

Submission:

Labcorp Genetics (formerly Invitae), Labcorp
Classification: Uncertain significance for Brugada syndrome. Last evaluated: 2024-12-05. Review status: criteria provided, single submitter. Criteria: Invitae Variant Classification Sherloc (09022015). Collection method: clinical testing. Allele origin: germline.
Comment: This sequence change replaces cysteine, which is neutral and slightly polar, with serine, which is neutral and polar, at codon 276 of the SCN10A protein (p.Cys276Ser). This variant is not present in population databases (gnomAD no frequency). This variant has not been reported in the literature in individuals affected with SCN10A-related conditions. Invitae Evidence Modeling of protein sequence and biophysical properties (such as structural, functional, and spatial information, amino acid conservation, physicochemical variation, residue mobility, and thermodynamic stability) indicates that this missense variant is expected to disrupt SCN10A protein function with a positive predictive value of 80%. In summary, the available evidence is currently insufficient to determine the role of this variant in disease. Therefore, it has been classified as a Variant of Uncertain Significance.